The following is an entry in ClinVar:

ClinVar aggregate classification (germline): Uncertain significance (1 of 4 stars; one submission).

Conditions:
Mitochondrial DNA depletion syndrome 13. Also called: FBXL4-Related Encephalomyopathic Mitochondrial DNA Depletion Syndrome; Mitochondrial DNA depletion syndrome 13 (encephalomyopathic type). Identifiers: Orphanet 369897, MedGen C3809592, MONDO:0014198, OMIM 615471.

Allele frequency attached by ClinVar (database versions not stated): gnomAD exomes 0.00001 and below 0.00001; TOPMed below 0.00001.
gnomAD v4.1: 3 of 1,613,972 alleles (0.00019%); highest among the groups gnomAD compares: Non-Finnish European, 0.00025%; no homozygotes.

Submission:

Wong Mito Lab, Molecular and Human Genetics, Baylor College of Medicine
Classification: Uncertain significance for Mitochondrial DNA depletion syndrome 13. Last evaluated: 2017-08-10. Review status: criteria provided, single submitter. Criteria: ACMG Guidelines, 2015. Collection method: clinical testing. Allele origin: germline. Affected: yes.
Comment: The NM_012160.4:c.1361A>C (NP_036292.2:p.Gln454Pro) [GRCH38: NC_000006.12:g.98880581T>G] variant in FBXL4 gene is interpretated to be a Uncertain Significance based on ACMG guidelines (PMID: 25741868). This variant has been reported in PMID:25868664 . This variant meets one or more of the following evidence codes reported in the ACMG-guideline. PM2:This variant is absent in key population databases. PP2:This is a missense variant in FBXL4 with a low rate of benign and high rate of pathogenic missense variations. PP4:Patientâ€™s phenotype or family history is highly specific for FBXL4. PP5:Reputable source(s) suggest that the variant is pathogenic. Based on this evidence code ClinGen Pathogenicity Calculator (PMID:28081714) suggested that the variant is Uncertain Significance - Insufficient Evidence.

Literature cited by the submitters: PubMed 25868664.

NM_001278716.2(FBXL4):c.1361A>C (p.Gln454Pro)

Gene: FBXL4 (F-box and leucine rich repeat protein 4; minus strand). Cytogenetic location: 6q16.1.
Variant type: single nucleotide variant.
Coding change: c.1361A>C on transcript NM_001278716.2 (MANE Select); coding-DNA position 1361, A replaced by C.
Protein change: p.Gln454Pro; replaces glutamine 454 with proline.
Molecular consequence: missense variant. On other transcripts: non-coding transcript variant (1).
Genome position (GRCh38, 1-based): chr6:98,880,581, T>G on the plus strand (A>C on the coding strand, the complement: FBXL4 is on the minus strand). VCF-style: chr6-98880581-T-G. GRCh37 (hg19) VCF-style: chr6-99328457-T-G.
Other names: c.1361A>C, p.Gln454Pro (NM_012160.5); short protein forms Q454P.
Identifiers: ClinVar variation 437477 (VCV000437477.1), dbSNP rs1358019444, ClinGen allele CA16021020.